The following is an entry in ClinVar:

ClinVar aggregate classification (germline): Uncertain significance (1 of 4 stars; one submission).

Submission:

GeneDx
Classification: Uncertain significance. Last evaluated: 2024-03-20. Review status: criteria provided, single submitter. Criteria: GeneDx Variant Classification Process June 2021. Collection method: clinical testing. Allele origin: germline. Affected: yes.
Comment: Not observed at significant frequency in large population cohorts (gnomAD); In silico analysis supports that this missense variant has a deleterious effect on protein structure/function; Has not been previously published as pathogenic or benign to our knowledge

NM_024989.4(PGAP1):c.1526T>G (p.Val509Gly)

Gene: PGAP1 (post-GPI attachment to proteins inositol deacylase 1; minus strand). Cytogenetic location: 2q33.1.
Variant type: single nucleotide variant.
Coding change: c.1526T>G on transcript NM_024989.4 (MANE Select); coding-DNA position 1526, T replaced by G.
Protein change: p.Val509Gly; replaces valine 509 with glycine.
Molecular consequence: missense variant.
Genome position (GRCh38, 1-based): chr2:196,873,554, A>C on the plus strand (T>G on the coding strand, the complement: PGAP1 is on the minus strand). VCF-style: chr2-196873554-A-C. GRCh37 (hg19) VCF-style: chr2-197738278-A-C.
Other names: c.1004T>G, p.Val335Gly (NM_001321099.2); c.359T>G, p.Val120Gly (NM_001321100.2); short protein forms V120G, V335G, V509G.
Identifiers: ClinVar variation 3370938 (VCV003370938.1).